The following is an entry in ClinVar:

ClinVar aggregate classification (germline): Uncertain significance. Review status: criteria provided, multiple submitters, no conflicts (2 of 4 stars). 4 submissions from 4 submitters: Uncertain significance (4). Last evaluated 2025-11-02.

Conditions:
Autosomal dominant Alport syndrome (ATS3A). Also called: ALPORT SYNDROME 3A, AUTOSOMAL DOMINANT; Alport syndrome dominant type; Renal failure and sensorineural hearing loss. Identifiers: Orphanet 63, Orphanet 88918, MedGen C5882663, MONDO:0007086, OMIM 104200.
Hematuria, benign familial, 2 (BFH2). Identifiers: MedGen C5830421, MONDO:0958186, OMIM 620320.
Alport syndrome 3b, autosomal recessive. Identifiers: MedGen C5882699, MONDO:0957811, OMIM 620536.
Inborn genetic diseases. Identifiers: MedGen C0950123, MeSH D030342.

Allele frequency attached by ClinVar (database versions not stated): TOPMed 0.00001; gnomAD exomes 0.00002; ExAC 0.00003.
gnomAD v4.1: 9 of 1,614,110 alleles (0.00056%); highest among the groups gnomAD compares: Admixed American, 0.015%; no homozygotes.

Submissions (4):

Ambry Genetics
Classification: Uncertain significance for Inborn genetic diseases. Last evaluated: 2025-11-02. Review status: criteria provided, single submitter. Criteria: Ambry Variant Classification Scheme 2023. Collection method: clinical testing. Allele origin: germline.

GeneDx
Classification: Uncertain significance. Last evaluated: 2024-12-11. Review status: criteria provided, single submitter. Criteria: GeneDx Variant Classification Process June 2021. Collection method: clinical testing. Allele origin: germline. Affected: yes.
Comment: In silico analysis indicates that this missense variant does not alter protein structure/function; Occurs in the triple helical domain at the Y position in the canonical Gly-X-Y repeat; although this variant may have an effect on normal protein folding and function, missense substitution at the Y position is not a common mechanism of disease; Has not been previously published as pathogenic or benign to our knowledge

Labcorp Genetics (formerly Invitae), Labcorp
Classification: Uncertain significance. Last evaluated: 2024-10-16. Review status: criteria provided, single submitter. Criteria: Invitae Variant Classification Sherloc (09022015). Collection method: clinical testing. Allele origin: germline.
Comment: This sequence change replaces serine, which is neutral and polar, with tyrosine, which is neutral and polar, at codon 764 of the COL4A3 protein (p.Ser764Tyr). This variant is present in population databases (rs776039489, gnomAD 0.03%). This variant has not been reported in the literature in individuals affected with COL4A3-related conditions. ClinVar contains an entry for this variant (Variation ID: 2284045). Invitae Evidence Modeling of protein sequence and biophysical properties (such as structural, functional, and spatial information, amino acid conservation, physicochemical variation, residue mobility, and thermodynamic stability) has been performed for this missense variant. However, the output from this modeling did not meet the statistical confidence thresholds required to predict the impact of this variant on COL4A3 protein function. In summary, the available evidence is currently insufficient to determine the role of this variant in disease. Therefore, it has been classified as a Variant of Uncertain Significance.

Fulgent Genetics
Classification: Uncertain significance for Autosomal dominant Alport syndrome; Hematuria, benign familial, 2; Alport syndrome 3b, autosomal recessive. Last evaluated: 2024-03-22. Review status: criteria provided, single submitter. Criteria: ACMG Guidelines, 2015. Collection method: clinical testing. Allele origin: germline.

NM_000091.5(COL4A3):c.2291C>A (p.Ser764Tyr)

Genes: MFF-DT (MFF divergent transcript; minus strand), COL4A3 (collagen type IV alpha 3 chain; plus strand). Cytogenetic location: 2q36.3.
Variant type: single nucleotide variant.
Coding change: c.2291C>A on transcript NM_000091.5 (MANE Select); coding-DNA position 2291, C replaced by A.
Protein change: p.Ser764Tyr; replaces serine 764 with tyrosine.
Molecular consequence: missense variant.
Genome position (GRCh38, 1-based): chr2:227,280,507, C>A. VCF-style: chr2-227280507-C-A. GRCh37 (hg19) VCF-style: chr2-228145223-C-A.
Other names: short protein forms S764Y.
Identifiers: ClinVar variation 2284045 (VCV002284045.7), dbSNP rs776039489, ClinGen allele CA2146911.